The following is an entry in ClinVar:

NC_012920.1(MT-ATP8):m.8562C>T

Genes: MT-ATP8 (mitochondrially encoded ATP synthase 8; plus strand), MT-ATP6 (mitochondrially encoded ATP synthase 6; plus strand).
Variant type: single nucleotide variant.
Genome position: chrM-8562-C-T.
Identifiers: ClinVar variation 692902 (VCV000692902.1), dbSNP rs1603221584, ClinGen allele CA414796708.

ClinVar aggregate classification (germline): Benign (1 of 4 stars; one submission).

Conditions:
Leigh syndrome (NULS). Also called: Leigh's necrotizing encephalopathy; Leigh's disease; Leigh Syndrome (mtDNA deletion); Leigh Disease; Subacute necrotizing encephalopathy; Necrotizing encephalopathy infantile subacute of Leigh. Identifiers: Orphanet 506, MedGen C2931891, MONDO:0009723, OMIM 256000.

Submission:

Wong Mito Lab, Molecular and Human Genetics, Baylor College of Medicine
Classification: Benign for Leigh syndrome. Last evaluated: 2019-10-17. Review status: criteria provided, single submitter. Criteria: Modified ACMG Guidelines (Unpublished). Collection method: clinical testing. Allele origin: germline.
Comment: The NC_012920.1:m.8562C>T (YP_003024030.1:p.Pro66Leu) variant in MTATP8 gene is interpretated to be a Benign variant based on the modified ACMG guidelines (unpublished). This variant meets the following evidence codes: BS1, BS2, BP4